The following is an entry in ClinVar:

NM_145046.5(CALR3):c.349A>T (p.Ile117Phe)

Gene: CALR3 (calreticulin 3; minus strand). Cytogenetic location: 19p13.11.
Variant type: single nucleotide variant.
Coding change: c.349A>T on transcript NM_145046.5 (MANE Select); coding-DNA position 349, A replaced by T.
Protein change: p.Ile117Phe; replaces isoleucine 117 with phenylalanine.
Molecular consequence: missense variant.
Genome position (GRCh38, 1-based): chr19:16,490,415, T>A on the plus strand (A>T on the coding strand, the complement: CALR3 is on the minus strand). VCF-style: chr19-16490415-T-A. GRCh37 (hg19) VCF-style: chr19-16601226-T-A.
Other names: short protein forms I117F.
Identifiers: ClinVar variation 3696952 (VCV003696952.2).

ClinVar aggregate classification (germline): Uncertain significance (1 of 4 stars; one submission).

Conditions:
Hypertrophic cardiomyopathy 19. Also called: Familial hypertrophic cardiomyopathy 19. Identifiers: MedGen CN077603, MONDO:0013476.

gnomAD v4.1: 23 of 1,614,106 alleles (0.0014%); highest among the groups gnomAD compares: East Asian, 0.049%; 1 homozygote.

Submission:

Labcorp Genetics (formerly Invitae), Labcorp
Classification: Uncertain significance for Hypertrophic cardiomyopathy 19. Last evaluated: 2024-05-26. Review status: criteria provided, single submitter. Criteria: Invitae Variant Classification Sherloc (09022015). Collection method: clinical testing. Allele origin: germline.
Comment: This sequence change replaces isoleucine, which is neutral and non-polar, with phenylalanine, which is neutral and non-polar, at codon 117 of the CALR3 protein (p.Ile117Phe). This variant is present in population databases (no rsID available, gnomAD 0.01%). This variant has not been reported in the literature in individuals affected with CALR3-related conditions. Advanced modeling of protein sequence and biophysical properties (such as structural, functional, and spatial information, amino acid conservation, physicochemical variation, residue mobility, and thermodynamic stability) performed at Invitae indicates that this missense variant is not expected to disrupt CALR3 protein function with a negative predictive value of 80%. In summary, the available evidence is currently insufficient to determine the role of this variant in disease. Therefore, it has been classified as a Variant of Uncertain Significance.